The following is an entry in ClinVar:

NM_033004.4(NLRP1):c.652+6A>G

Gene: NLRP1 (NLR family pyrin domain containing 1; minus strand). Cytogenetic location: 17p13.2.
Variant type: single nucleotide variant.
Coding change: c.652+6A>G on transcript NM_033004.4 (MANE Select); 6 bases into the intron after coding-DNA position 652, A replaced by G.
Molecular consequence: intron variant.
Genome position (GRCh38, 1-based): chr17:5,581,853, T>C on the plus strand (A>G on the coding strand, the complement: NLRP1 is on the minus strand). VCF-style: chr17-5581853-T-C. GRCh37 (hg19) VCF-style: chr17-5485173-T-C.
Other names: c.652+6A>G (NM_001033053.3, NM_033007.4, NM_033006.4 and 1 more transcripts).
Identifiers: ClinVar variation 2112635 (VCV002112635.4), dbSNP rs201039270, ClinGen allele CA287291423.
Genomic context (GRCh38, chr17:5,581,853, plus strand): 5'-GACTCTTTGTCCATACATTTGCCTCTCCCACCTCACCACCCCGCCAGGAGCTCAGTAGGG[T>C]CTCACCTGTGTAGTAAATTCCTGACGTTTCATCCAGAGGCCATTGGGTCCCAGGAGCCTC-3'

ClinVar aggregate classification (germline): Uncertain significance (1 of 4 stars; one submission).

Submission:

Labcorp Genetics (formerly Invitae), Labcorp
Classification: Uncertain significance. Last evaluated: 2024-04-03. Review status: criteria provided, single submitter. Criteria: Invitae Variant Classification Sherloc (09022015). Collection method: clinical testing. Allele origin: germline.
Comment: This sequence change falls in intron 3 of the NLRP1 gene. It does not directly change the encoded amino acid sequence of the NLRP1 protein. It affects a nucleotide within the consensus splice site. This variant is not present in population databases (gnomAD no frequency). This variant has not been reported in the literature in individuals affected with NLRP1-related conditions. ClinVar contains an entry for this variant (Variation ID: 2112635). Variants that disrupt the consensus splice site are a relatively common cause of aberrant splicing (PMID: 17576681, 9536098). Algorithms developed to predict the effect of sequence changes on RNA splicing suggest that this variant is not likely to affect RNA splicing. In summary, the available evidence is currently insufficient to determine the role of this variant in disease. Therefore, it has been classified as a Variant of Uncertain Significance.

Literature cited by the submitters: PubMed 17576681; PubMed 9536098.